The following is an entry in ClinVar:

NM_080473.5(GATA5):c.610G>A (p.Gly204Ser)

Gene: GATA5 (GATA binding protein 5; minus strand). Cytogenetic location: 20q13.33.
Variant type: single nucleotide variant.
Coding change: c.610G>A on transcript NM_080473.5 (MANE Select); coding-DNA position 610, G replaced by A.
Protein change: p.Gly204Ser; replaces glycine 204 with serine.
Molecular consequence: missense variant.
Genome position (GRCh38, 1-based): chr20:62,473,492, C>T on the plus strand (G>A on the coding strand, the complement: GATA5 is on the minus strand). VCF-style: chr20-62473492-C-T. GRCh37 (hg19) VCF-style: chr20-61048548-C-T.
Other names: short protein forms G204S.
Identifiers: ClinVar variation 2724928 (VCV002724928.3), dbSNP rs782260539, ClinGen allele CA9946268.

ClinVar aggregate classification (germline): Uncertain significance (1 of 4 stars; one submission).

Allele frequency attached by ClinVar (database versions not stated): ExAC 0.00001; gnomAD 0.00001; gnomAD exomes 0.00001.
gnomAD v4.1: 15 of 1,610,516 alleles (0.00093%); highest among the groups gnomAD compares: South Asian, 0.0044%; no homozygotes.

Submission:

Labcorp Genetics (formerly Invitae), Labcorp
Classification: Uncertain significance. Last evaluated: 2023-01-27. Review status: criteria provided, single submitter. Criteria: Invitae Variant Classification Sherloc (09022015). Collection method: clinical testing. Allele origin: germline.
Comment: This variant has not been reported in the literature in individuals affected with GATA5-related conditions. Advanced modeling of protein sequence and biophysical properties (such as structural, functional, and spatial information, amino acid conservation, physicochemical variation, residue mobility, and thermodynamic stability) performed at Invitae indicates that this missense variant is expected to disrupt GATA5 protein function. In summary, the available evidence is currently insufficient to determine the role of this variant in disease. Therefore, it has been classified as a Variant of Uncertain Significance. The frequency data for this variant in the population databases is considered unreliable, as metrics indicate poor data quality at this position in the gnomAD database. This sequence change replaces glycine, which is neutral and non-polar, with serine, which is neutral and polar, at codon 204 of the GATA5 protein (p.Gly204Ser).